The following is an entry in ClinVar:

NM_003049.4(SLC10A1):c.*4T>G

Gene: SLC10A1 (solute carrier family 10 member 1; minus strand). Cytogenetic location: 14q24.1.
Variant type: single nucleotide variant.
Coding change: c.*4T>G on transcript NM_003049.4 (MANE Select); 4 bases downstream of the stop codon, T replaced by G.
Molecular consequence: 3 prime UTR variant.
Genome position (GRCh38, 1-based): chr14:69,776,278, A>C on the plus strand (T>G on the coding strand, the complement: SLC10A1 is on the minus strand). VCF-style: chr14-69776278-A-C. GRCh37 (hg19) VCF-style: chr14-70242995-A-C.
Identifiers: ClinVar variation 4990022 (VCV004990022.1).

ClinVar aggregate classification (germline): Likely benign (1 of 4 stars; one submission).

Conditions:
SLC10A1-related disorder. Also called: SLC10A1-related condition.

gnomAD v4.1: 11 of 1,607,758 alleles (0.00068%); highest among the groups gnomAD compares: East Asian, 0.022%; no homozygotes.

Submission:

PreventionGenetics, part of Exact Sciences
Classification: Likely benign for SLC10A1-related condition. Last evaluated: 2025-08-06. Review status: criteria provided, single submitter. Criteria: ACMG Guidelines, 2015. Collection method: clinical testing. Allele origin: germline.
Comment: This variant is classified as likely benign based on ACMG/AMP sequence variant interpretation guidelines (Richards et al. 2015 PMID: 25741868, with internal and published modifications).